The following is an entry in ClinVar:

ClinVar aggregate classification (germline): Uncertain significance. Review status: criteria provided, multiple submitters, no conflicts (2 of 4 stars). 2 submissions from 2 submitters: Uncertain significance (2). Last evaluated 2024-11-25.

Conditions:
Inborn genetic diseases. Identifiers: MedGen C0950123, MeSH D030342.
HNSHA due to aldolase A deficiency (GSD12). Also called: GSD XII; RED CELL ALDOLASE DEFICIENCY; GLYCOGEN STORAGE DISEASE XII; Glycogen storage disease due to aldolase A deficiency. Identifiers: Orphanet 57, MedGen C0272066, MONDO:0012747, OMIM 611881.

Allele frequency attached by ClinVar (database versions not stated): ExAC 0.00002; TOPMed 0.00005; 1000 Genomes Project 30x 0.00016; 1000 Genomes Project 0.00020.
gnomAD v4.1: 72 of 1,613,250 alleles (0.0045%); highest among the groups gnomAD compares: Non-Finnish European, 0.0059%; no homozygotes.

Submissions (2):

Labcorp Genetics (formerly Invitae), Labcorp
Classification: Uncertain significance for HNSHA due to aldolase A deficiency. Last evaluated: 2024-11-25. Review status: criteria provided, single submitter. Criteria: Invitae Variant Classification Sherloc (09022015). Collection method: clinical testing. Allele origin: germline.
Comment: This sequence change replaces arginine, which is basic and polar, with glutamine, which is neutral and polar, at codon 43 of the ALDOA protein (p.Arg43Gln). This variant is present in population databases (rs549146709, gnomAD 0.006%). This variant has not been reported in the literature in individuals affected with ALDOA-related conditions. ClinVar contains an entry for this variant (Variation ID: 1014562). An algorithm developed to predict the effect of missense changes on protein structure and function (PolyPhen-2) suggests that this variant¬†is likely to be tolerated. In summary, the available evidence is currently insufficient to determine the role of this variant in disease. Therefore, it has been classified as a Variant of Uncertain Significance.

Ambry Genetics
Classification: Uncertain significance for Inborn genetic diseases. Last evaluated: 2023-03-28. Review status: criteria provided, single submitter. Criteria: Ambry Variant Classification Scheme 2023. Collection method: clinical testing. Allele origin: germline.

NM_001243177.4(ALDOA):c.290G>A (p.Arg97Gln)

Genes: ALDOA (aldolase, fructose-bisphosphate A; plus strand), LOC112694756 (uncharaterized LOC112694756; plus strand). Cytogenetic location: 16p11.2.
Variant type: single nucleotide variant.
Coding change: c.290G>A on transcript NM_001243177.4 (MANE Select); coding-DNA position 290, G replaced by A.
Protein change: p.Arg97Gln; replaces arginine 97 with glutamine.
Molecular consequence: missense variant. On other transcripts: 3 prime UTR variant (3).
Genome position (GRCh38, 1-based): chr16:30,067,465, G>A. VCF-style: chr16-30067465-G-A. GRCh37 (hg19) VCF-style: chr16-30078786-G-A.
Other names: NM_000034.3:c.128G>A; c.*637G>A (NM_001365304.2, NM_001365305.2, NM_001365307.2); c.128G>A, p.Arg43Gln (NM_001127617.2, NM_184041.5, NM_184043.2); short protein forms R43Q, R97Q.
Identifiers: ClinVar variation 1014562 (VCV001014562.9), dbSNP rs549146709, ClinGen allele CA8000879.